The following is an entry in ClinVar:

NM_001256317.3(TMPRSS3):c.412G>A (p.Ala138Thr)

Gene: TMPRSS3 (transmembrane serine protease 3; minus strand). Cytogenetic location: 21q22.3.
Variant type: single nucleotide variant.
Coding change: c.412G>A on transcript NM_001256317.3 (MANE Select); coding-DNA position 412, G replaced by A.
Protein change: p.Ala138Thr; replaces alanine 138 with threonine.
Molecular consequence: missense variant.
Genome position (GRCh38, 1-based): chr21:42,388,437, C>T on the plus strand (G>A on the coding strand, the complement: TMPRSS3 is on the minus strand). VCF-style: chr21-42388437-C-T. GRCh37 (hg19) VCF-style: chr21-43808546-C-T.
Other names: c.412G>A, p.Ala138Thr (NM_024022.4, NM_032405.2); c.31G>A, p.Ala11Thr (NM_032404.3); short protein forms A138T, A11T.
Identifiers: ClinVar variation 46118 (VCV000046118.53), dbSNP rs140614903, ClinGen allele CA137714.
Genomic context (GRCh38, chr21:42,388,437, plus strand): 5'-TGGGTTGGAAATGCTCTTTAACTTACCTTGGGAAACCCAGTTGGGCACAGGCAACATTTG[C>T]GTAGTGACCCTTCCAGTCATCGGAGCACATGGTCTTCCACGAAGCAGCTGTGAACACCTG-3'
Protein context (NP_001243246.1, residues 128-148): MCSDDWKGHY[Ala138Thr]NVACAQLGFP

ClinVar aggregate classification (germline): Conflicting classifications of pathogenicity. Review status: criteria provided, conflicting classifications (1 of 4 stars). 9 submissions from 9 submitters: Likely pathogenic (1); Uncertain significance (7); Likely benign (1). Last evaluated 2026-05-27.

Conditions:
TMPRSS3-related disorder. Also called: TMPRSS3-related condition.
Waardenburg syndrome. Also called: Waardenburg's syndrome. Identifiers: Orphanet 3440, MedGen C3266898, MONDO:0018094.
Autosomal recessive nonsyndromic hearing loss 8 (DFNB8). Also called: NEUROSENSORY NONSYNDROMIC RECESSIVE DEAFNESS 8; Deafness, autosomal recessive 10. Identifiers: Orphanet 90636, MedGen C1832827, MONDO:0010987, OMIM 601072.

Allele frequency attached by ClinVar (database versions not stated): gnomAD 0.00054; 1000 Genomes Project 30x 0.00062; ESP Exome Variant Server 0.00069; TOPMed 0.00073; 1000 Genomes Project 0.00080.
gnomAD v4.1: 569 of 1,614,206 alleles (0.035%); highest among the groups gnomAD compares: African/African-American, 0.12%; 1 homozygote.

Submissions (9):

PreventionGenetics, part of Exact Sciences
Classification: Uncertain significance for TMPRSS3-related condition. Last evaluated: 2026-05-27. Review status: criteria provided, single submitter. Criteria: ACMG Guidelines, 2015. Collection method: clinical testing. Allele origin: germline.
Comment: The TMPRSS3 c.412G>A variant is predicted to result in the amino acid substitution p.Ala138Thr. To our knowledge, this variant has not been reported in the literature. This variant is reported in 0.15% of alleles in individuals of Latino descent in gnomAD. Although we suspect that this variant may be benign, at this time, the clinical significance of this variant is uncertain due to the absence of conclusive functional and genetic evidence.

Labcorp Genetics (formerly Invitae), Labcorp
Classification: Likely benign. Last evaluated: 2026-01-25. Review status: criteria provided, single submitter. Criteria: Invitae Variant Classification Sherloc (09022015). Collection method: clinical testing. Allele origin: germline.

CeGaT Center for Human Genetics Tuebingen
Classification: Uncertain significance. Last evaluated: 2025-10-01. Review status: criteria provided, single submitter. Criteria: CeGaT Center For Human Genetics Tuebingen Variant Classification Criteria Version 2. Collection method: clinical testing. Allele origin: germline. Affected: yes. Observed: 2 variant alleles.
Comment: TMPRSS3: PM5, BP4

Blueprint Genetics
Classification: Likely pathogenic for TMPRSS3-related disorders. Last evaluated: 2024-11-21. Review status: criteria provided, single submitter. Criteria: ACMG Guidelines, 2015. Collection method: clinical testing. Allele origin: germline. Affected: yes. Observed: 5 variant alleles.

Department of Pathology and Laboratory Medicine, Sinai Health System
Classification: Uncertain significance for Autosomal recessive nonsyndromic hearing loss 8. Last evaluated: 2023-02-08. Review status: criteria provided, single submitter. Criteria: ACMG Guidelines, 2015. Collection method: research. Allele origin: germline.

Department of Otolaryngology – Head & Neck Surgery, Cochlear Implant Center
Classification: Uncertain significance for Waardenburg syndrome. Last evaluated: 2021-04-12. Review status: criteria provided, single submitter. Criteria: ClinGen HL ACMG Specifications v1. Collection method: clinical testing. Allele origin: germline. Affected: yes.
Comment: PM2_Moderate, PM5_Moderate, BP4_Supporting

Knight Diagnostic Laboratories, Oregon Health and Sciences University
Classification: Uncertain significance. Last evaluated: 2019-10-16. Review status: criteria provided, single submitter. Criteria: ACMG Guidelines, 2015. Collection method: clinical testing. Allele origin: germline. Observed: 1 variant allele.

Eurofins Ntd Llc (ga)
Classification: Uncertain significance. Last evaluated: 2017-12-21. Review status: criteria provided, single submitter. Criteria: EGL Classification Definitions 2015. Collection method: clinical testing. Allele origin: germline. Observed: 1 variant allele, 1 heterozygote.

Laboratory for Molecular Medicine, Mass General Brigham Personalized Medicine
Classification: Uncertain significance. Last evaluated: 2016-02-02. Review status: criteria provided, single submitter. Criteria: LMM Criteria. Collection method: clinical testing. Allele origin: germline. Observed: 3 variant alleles.
Comment: The p.Ala138Thr variant in TMPRSS3 has now been identified by our laboratory in three individuals with hearing loss, but a variant affecting the remaining copy of the TMPRSS3 gene has not been identified in any of them. This variant has bee n identified in 0.06% (71/121400) of chromosomes by the Exome Aggregation Consor tium (ExAC; dbSNP rs140614903); however, its fre quency is not high enough to rule out a pathogenic role. This variant occurs at the same position as a different amino acid change, p.Ala138Glu, reported in a h omozygous state in an affected sib-pair (Hutchin 2005) and identified by our lab oratory in four individuals, three of whom have a second pathogenic or likely pa thogenic variant. This increases the likelihood of pathogenicity for the p.Ala13 8Thr variant. However, the alanine to threonine change is a more conservative ch ange than alanine to glutamic acid. Computational prediction tools and conservat ion analyses do not provide strong support for or against an impact to the prote in. In summary, the clinical significance of the p.Ala138Thr variant is uncertai n.